The following is an entry in ClinVar:

ClinVar aggregate classification (germline): Uncertain significance (1 of 4 stars; one submission).

Conditions:
Perlman syndrome (PRLMNS). Identifiers: Orphanet 2849, MedGen C0796113, MONDO:0009965, OMIM 267000.

Submission:

Labcorp Genetics (formerly Invitae), Labcorp
Classification: Uncertain significance for Perlman syndrome. Last evaluated: 2020-05-04. Review status: criteria provided, single submitter. Criteria: Invitae Variant Classification Sherloc (09022015). Collection method: clinical testing. Allele origin: germline.
Comment: This sequence change replaces arginine with proline at codon 576 of the DIS3L2 protein (p.Arg576Pro). The arginine residue is moderately conserved and there is a moderate physicochemical difference between arginine and proline. This variant is not present in population databases (ExAC no frequency). This variant has not been reported in the literature in individuals with DIS3L2-related disease. Algorithms developed to predict the effect of missense changes on protein structure and function do not agree on the potential impact of this missense change (SIFT: "Tolerated"; PolyPhen-2: "Probably Damaging"; Align-GVGD: "Class C0"). In summary, the available evidence is currently insufficient to determine the role of this variant in disease. Therefore, it has been classified as a Variant of Uncertain Significance.

NM_152383.5(DIS3L2):c.1727_1728delinsCA (p.Arg576Pro)

Gene: DIS3L2 (DIS3 like 3'-5' exoribonuclease 2; plus strand). Cytogenetic location: 2q37.1.
Variant type: Indel.
Coding change: c.1727_1728delinsCA on transcript NM_152383.5 (MANE Select); coding-DNA positions 1727 to 1728, GC replaced by CA.
Protein change: p.Arg576Pro; replaces arginine 576 with proline.
Molecular consequence: missense variant. On other transcripts: non-coding transcript variant (2), intron variant (1).
Genome position (GRCh38, 1-based): chr2:232,300,107-232,300,108, GC replaced by CA. VCF-style: chr2-232300107-GC-CA. GRCh37 (hg19) VCF-style: chr2-233164817-GC-CA.
Other names: c.1581+36745_1581+36746delinsCA (NM_001257281.2); c.1727_1728delGCinsCA (NM_152383.4); short protein forms R576P.
Identifiers: ClinVar variation 531923 (VCV000531923.7), dbSNP rs1553546498, ClinGen allele CA658796205.